The following is an entry in ClinVar:

NM_198253.3(TERT):c.1915G>A (p.Val639Ile)

Gene: TERT (telomerase reverse transcriptase; minus strand). Cytogenetic location: 5p15.33.
Variant type: single nucleotide variant.
Coding change: c.1915G>A on transcript NM_198253.3 (MANE Select); coding-DNA position 1915, G replaced by A.
Protein change: p.Val639Ile; replaces valine 639 with isoleucine.
Molecular consequence: missense variant. On other transcripts: non-coding transcript variant (2).
Genome position (GRCh38, 1-based): chr5:1,280,193, C>T on the plus strand (G>A on the coding strand, the complement: TERT is on the minus strand). VCF-style: chr5-1280193-C-T. GRCh37 (hg19) VCF-style: chr5-1280308-C-T.
Other names: c.1915G>A, p.Val639Ile (NM_001193376.3); short protein forms V639I.
Identifiers: ClinVar variation 539183 (VCV000539183.10), dbSNP rs151121796, ClinGen allele CA3184733.

ClinVar aggregate classification (germline): Uncertain significance. Review status: criteria provided, multiple submitters, no conflicts (2 of 4 stars). 2 submissions from 2 submitters: Uncertain significance (2). Last evaluated 2025-02-27.

Conditions:
Dyskeratosis congenita. Identifiers: Orphanet 1775, MedGen C0265965, MONDO:0015780.
Dyskeratosis congenita, autosomal dominant 2. Identifiers: MedGen C3151443, MONDO:0013521, OMIM 613989.
Idiopathic Pulmonary Fibrosis. Also called: Idiopathic fibrosing alveolitis, chronic form; idiopathic fibrosing alveolitis. Identifiers: Orphanet 2032, MedGen C1800706, MeSH D054990, MONDO:0800504.

Allele frequency attached by ClinVar (database versions not stated): gnomAD exomes 0.00002 and 0.00001; ESP Exome Variant Server 0.00008; gnomAD 0.00001; TOPMed 0.00001; ExAC 0.00002.
gnomAD v4.1: 23 of 1,613,970 alleles (0.0014%); highest among the groups gnomAD compares: Non-Finnish European, 0.0018%; no homozygotes.

Submissions (2):

Ambry Genetics
Classification: Uncertain significance for Dyskeratosis congenita. Last evaluated: 2025-02-27. Review status: criteria provided, single submitter. Criteria: Ambry Variant Classification Scheme 2023. Collection method: clinical testing. Allele origin: germline.
Comment: The p.V639I variant (also known as c.1915G>A), located in coding exon 4 of the TERT gene, results from a G to A substitution at nucleotide position 1915. The valine at codon 639 is replaced by isoleucine, an amino acid with highly similar properties. This amino acid position is not well conserved in available vertebrate species. In addition, this alteration is predicted to be tolerated by in silico analysis. Based on the available evidence, the clinical significance of this variant remains unclear.

Labcorp Genetics (formerly Invitae), Labcorp
Classification: Uncertain significance for Dyskeratosis congenita, autosomal dominant 2; Idiopathic Pulmonary Fibrosis. Last evaluated: 2023-05-23. Review status: criteria provided, single submitter. Criteria: Invitae Variant Classification Sherloc (09022015). Collection method: clinical testing. Allele origin: germline.
Comment: This variant has not been reported in the literature in individuals affected with TERT-related conditions. ClinVar contains an entry for this variant (Variation ID: 539183). Algorithms developed to predict the effect of missense changes on protein structure and function output the following: SIFT: "Not Available"; PolyPhen-2: "Benign"; Align-GVGD: "Not Available". The isoleucine amino acid residue is found in multiple mammalian species, which suggests that this missense change does not adversely affect protein function. In summary, the available evidence is currently insufficient to determine the role of this variant in disease. Therefore, it has been classified as a Variant of Uncertain Significance. This variant is present in population databases (rs151121796, gnomAD 0.004%). This sequence change replaces valine, which is neutral and non-polar, with isoleucine, which is neutral and non-polar, at codon 639 of the TERT protein (p.Val639Ile).